The following is an entry in ClinVar:

NM_001365276.2(TNXB):c.9478G>A (p.Ala3160Thr)

Gene: TNXB (tenascin XB; minus strand). Cytogenetic location: 6p21.33.
Variant type: single nucleotide variant.
Coding change: c.9478G>A on transcript NM_001365276.2 (MANE Select); coding-DNA position 9478, G replaced by A.
Protein change: p.Ala3160Thr; replaces alanine 3160 with threonine.
Molecular consequence: missense variant.
Genome position (GRCh38, 1-based): chr6:32,049,549, C>T on the plus strand (G>A on the coding strand, the complement: TNXB is on the minus strand). VCF-style: chr6-32049549-C-T. GRCh37 (hg19) VCF-style: chr6-32017326-C-T.
Other names: c.10219G>A, p.Ala3407Thr (NM_001428335.1); c.9472G>A, p.Ala3158Thr (NM_019105.8); short protein forms A3160T, A3158T, A3407T.
Identifiers: ClinVar variation 4188723 (VCV004188723.1).

ClinVar aggregate classification (germline): Uncertain significance (1 of 4 stars; one submission).

Conditions:
Cardiovascular phenotype. Identifiers: MedGen CN230736.

Submission:

Ambry Genetics
Classification: Uncertain significance for Cardiovascular phenotype. Last evaluated: 2025-08-28. Review status: criteria provided, single submitter. Criteria: Ambry Variant Classification Scheme 2023. Collection method: clinical testing. Allele origin: germline.
Comment: The p.A3158T variant (also known as c.9472G>A), located in coding exon 27 of the TNXB gene, results from a G to A substitution at nucleotide position 9472. The alanine at codon 3158 is replaced by threonine, an amino acid with similar properties. This amino acid position is conserved. In addition, this alteration is predicted to be tolerated by in silico analysis. Based on the available evidence, the clinical significance of this variant remains unclear.